The following is an entry in ClinVar:

NM_000237.3(LPL):c.97G>C (p.Asp33His)

Gene: LPL (lipoprotein lipase; plus strand). Cytogenetic location: 8p21.3.
Variant type: single nucleotide variant.
Coding change: c.97G>C on transcript NM_000237.3 (MANE Select); coding-DNA position 97, G replaced by C.
Protein change: p.Asp33His; replaces aspartic acid 33 with histidine.
Molecular consequence: missense variant.
Genome position (GRCh38, 1-based): chr8:19,948,188, G>C. VCF-style: chr8-19948188-G-C. GRCh37 (hg19) VCF-style: chr8-19805699-G-C.
Other names: short protein forms D33H.
Identifiers: ClinVar variation 3230723 (VCV003230723.1), dbSNP rs2069900175, ClinGen allele CA370466769.
Genomic context (GRCh38, chr8:19,948,188, plus strand): 5'-ATAAAATCAAGCAACCCTCCAGTTAACCTCATATCCAATTTTTCCTTTCCAGAAAGAAGA[G>C]ATTTTATCGACATCGAAAGTAAATTTGCCCTAAGGACCCCTGAAGACACAGCTGAGGACA-3'
Protein context (NP_000228.1, residues 23-43): GGVAAADQRR[Asp33His]FIDIESKFAL

ClinVar aggregate classification (germline): Uncertain significance (1 of 4 stars; one submission).

Conditions:
Cardiovascular phenotype. Identifiers: MedGen CN230736.

Allele frequency attached by ClinVar (database versions not stated): gnomAD exomes 0.00001.
gnomAD v4.1: 4 of 1,614,150 alleles (0.00025%); highest among the groups gnomAD compares: Non-Finnish European, 0.00034%; no homozygotes.

Submission:

Ambry Genetics
Classification: Uncertain significance for Cardiovascular phenotype. Last evaluated: 2023-10-19. Review status: criteria provided, single submitter. Criteria: Ambry Variant Classification Scheme 2023. Collection method: clinical testing. Allele origin: germline.
Comment: The p.D33H variant (also known as c.97G>C), located in coding exon 2 of the LPL gene, results from a G to C substitution at nucleotide position 97. The aspartic acid at codon 33 is replaced by histidine, an amino acid with similar properties. This amino acid position is conserved. In addition, the in silico prediction for this alteration is inconclusive. Since supporting evidence is limited at this time, the clinical significance of this alteration remains unclear.